The following is an entry in ClinVar:

NM_006231.4(POLE):c.6012C>T (p.Ile2004=)

Gene: POLE (DNA polymerase epsilon, catalytic subunit; minus strand). Cytogenetic location: 12q24.33.
Variant type: single nucleotide variant.
Coding change: c.6012C>T on transcript NM_006231.4 (MANE Select); coding-DNA position 6012, C replaced by T.
Protein change: p.Ile2004=; no amino-acid change (isoleucine 2004 retained).
Molecular consequence: synonymous variant.
Genome position (GRCh38, 1-based): chr12:132,632,788, G>A on the plus strand (C>T on the coding strand, the complement: POLE is on the minus strand). VCF-style: chr12-132632788-G-A. GRCh37 (hg19) VCF-style: chr12-133209374-G-A.
Identifiers: ClinVar variation 425022 (VCV000425022.56), dbSNP rs147806951, ClinGen allele CA6892310.

ClinVar aggregate classification (germline): Conflicting classifications of pathogenicity. Review status: criteria provided, conflicting classifications (1 of 4 stars). 5 submissions from 5 submitters: Uncertain significance (1); Likely benign (3). 1 of the submissions does not count toward it. Last evaluated 2026-01-10.

Conditions:
POLE-related disorder. Also called: POLE-related condition; POLE-related disorders.
Hereditary cancer-predisposing syndrome. Also called: Tumor predisposition; Hereditary neoplastic syndrome; Hereditary Cancer Syndrome; Neoplastic Syndromes, Hereditary. Identifiers: Orphanet 140162, MedGen C0027672, MeSH D009386, MONDO:0015356.

Allele frequency attached by ClinVar (database versions not stated): TOPMed 0.00003; ExAC 0.00004; gnomAD 0.00004 and 0.00005; gnomAD exomes 0.00005; ESP Exome Variant Server 0.00008.
gnomAD v4.1: 79 of 1,606,732 alleles (0.0049%); highest among the groups gnomAD compares: Middle Eastern, 0.016%; no homozygotes.

Submissions (5):

Labcorp Genetics (formerly Invitae), Labcorp
Classification: Likely benign. Last evaluated: 2026-01-10. Review status: criteria provided, single submitter. Criteria: Invitae Variant Classification Sherloc (09022015). Collection method: clinical testing. Allele origin: germline.

GeneDx
Classification: Likely benign. Last evaluated: 2018-02-15. Review status: criteria provided, single submitter. Criteria: GeneDx Variant Classification (06012015). Collection method: clinical testing. Allele origin: germline. Affected: yes.
Comment: This variant is considered likely benign or benign based on one or more of the following criteria: it is a conservative change, it occurs at a poorly conserved position in the protein, it is predicted to be benign by multiple in silico algorithms, and/or has population frequency not consistent with disease.

CeGaT Center for Human Genetics Tuebingen
Classification: Uncertain significance. Last evaluated: 2017-01-01. Review status: criteria provided, single submitter. Criteria: CeGaT Center For Human Genetics Tuebingen Variant Classification Criteria Version 2. Collection method: clinical testing. Allele origin: germline. Affected: yes. Observed: 1 variant allele.

Ambry Genetics
Classification: Likely benign for Hereditary cancer-predisposing syndrome. Last evaluated: 2015-06-11. Review status: criteria provided, single submitter. Criteria: Ambry Variant Classification Scheme 2023. Collection method: clinical testing. Allele origin: germline.

PreventionGenetics, part of Exact Sciences
Classification: Likely benign for POLE-related condition. Last evaluated: 2019-11-08. Review status: no assertion criteria provided. Collection method: clinical testing. Allele origin: germline. Not counted in ClinVar's aggregate classification.
Comment: This variant is classified as likely benign based on ACMG/AMP sequence variant interpretation guidelines (Richards et al. 2015 PMID: 25741868, with internal and published modifications).